The following is an entry in ClinVar:

NM_001035.3(RYR2):c.12375C>G (p.Val4125=)

Gene: RYR2 (ryanodine receptor 2; plus strand). Cytogenetic location: 1q43.
Variant type: single nucleotide variant.
Coding change: c.12375C>G on transcript NM_001035.3 (MANE Select); coding-DNA position 12375, C replaced by G.
Protein change: p.Val4125=; no amino-acid change (valine 4125 retained).
Molecular consequence: synonymous variant.
Genome position (GRCh38, 1-based): chr1:237,784,087, C>G. VCF-style: chr1-237784087-C-G. GRCh37 (hg19) VCF-style: chr1-237947387-C-G.
Identifiers: ClinVar variation 925237 (VCV000925237.12), dbSNP rs1434635546, ClinGen allele CA424032085.

ClinVar aggregate classification (germline): Likely benign. Review status: criteria provided, multiple submitters, no conflicts (2 of 4 stars). 3 submissions from 3 submitters: Likely benign (3). Last evaluated 2023-06-26.

Conditions:
Catecholaminergic polymorphic ventricular tachycardia (CVPT). Also called: Catecholamine-induced polymorphic ventricular tachycardia. Identifiers: Orphanet 3286, MedGen C5574922, MONDO:0017990.
Cardiomyopathy (CMYO). Also called: Cardiomyopathies. Identifiers: Orphanet 167848, MedGen C0878544, MONDO:0004994, HP:0001638. Inheritance: Various modes of inheritance.
Catecholaminergic polymorphic ventricular tachycardia 1. Also called: VENTRICULAR TACHYCARDIA, CATECHOLAMINERGIC POLYMORPHIC, 1, WITH OR WITHOUT ATRIAL DYSFUNCTION AND/OR DILATED CARDIOMYOPATHY; RYR2-Related Catecholaminergic Polymorphic Ventricular Tachycardia; VENTRICULAR TACHYCARDIA, STRESS-INDUCED POLYMORPHIC 1. Identifiers: Orphanet 3286, MedGen C1631597, MONDO:0011484, OMIM 604772.

Allele frequency attached by ClinVar (database versions not stated): gnomAD exomes below 0.00001.
gnomAD v4.1: 2 of 1,613,996 alleles (0.00012%); highest among the groups gnomAD compares: South Asian, 0.0022%; no homozygotes.

Submissions (3):

All of Us Research Program, National Institutes of Health
Classification: Likely benign for Catecholaminergic polymorphic ventricular tachycardia. Last evaluated: 2023-06-26. Review status: criteria provided, single submitter. Criteria: ACMG Guidelines, 2015. Collection method: clinical testing. Allele origin: germline. Inheritance: Autosomal dominant inheritance. Observed: 1 variant allele, 1 heterozygote.
Comment: This study involves interpretation of variants in research participants for the purpose of population health screening. Participant phenotype was not available at the time of variant classification. Additional details can be found in publication PMID: 35346344, PMCID: PMC8962531

Labcorp Genetics (formerly Invitae), Labcorp
Classification: Likely benign for Catecholaminergic polymorphic ventricular tachycardia 1. Last evaluated: 2021-08-14. Review status: criteria provided, single submitter. Criteria: Invitae Variant Classification Sherloc (09022015). Collection method: clinical testing. Allele origin: germline.

Color Diagnostics, LLC DBA Color Health
Classification: Likely benign for Cardiomyopathy. Last evaluated: 2019-08-26. Review status: criteria provided, single submitter. Criteria: ACMG Guidelines, 2015. Collection method: clinical testing. Allele origin: germline.